The following is an entry in ClinVar:

NM_003002.4(SDHD):c.15G>A (p.Trp5Ter)

Genes: SDHD (succinate dehydrogenase complex subunit D; plus strand), LOC126861339 (BRD4-independent group 4 enhancer GRCh37_chr11:111957035-111958234; plus strand). Cytogenetic location: 11q23.1.
Variant type: single nucleotide variant.
Coding change: c.15G>A on transcript NM_003002.4 (MANE Select); coding-DNA position 15, G replaced by A.
Protein change: p.Trp5Ter; replaces tryptophan 5 with a stop codon.
Molecular consequence: nonsense. On other transcripts: non-coding transcript variant (1).
Genome position (GRCh38, 1-based): chr11:112,086,922, G>A. VCF-style: chr11-112086922-G-A. GRCh37 (hg19) VCF-style: chr11-111957646-G-A.
Other names: c.15G>A, p.Trp5Ter (NM_001276503.2, NM_001276504.2, NM_001276506.2); short protein forms W5*.
Identifiers: ClinVar variation 1917924 (VCV001917924.6), dbSNP rs2135264652, ClinGen allele CA382616649.

ClinVar aggregate classification (germline): Pathogenic. Review status: criteria provided, multiple submitters, no conflicts (2 of 4 stars). 2 submissions from 2 submitters: Pathogenic (2). Last evaluated 2024-11-14.

Conditions:
Pheochromocytoma. Also called: MAX-Related Hereditary Paraganglioma-Pheochromocytoma Syndrome. Identifiers: Orphanet 29072, MedGen C0031511, MONDO:0008233, OMIM 171300, HP:0002666.
Paragangliomas with sensorineural hearing loss. Identifiers: MedGen C1868633.
Carney-Stratakis syndrome. Also called: PARAGANGLIOMA AND GASTROINTESTINAL STROMAL TUMOR. Identifiers: Orphanet 97286, MedGen C1847319, MONDO:0011740, OMIM 606864.
Cowden syndrome 3 (CWS3). Identifiers: Orphanet 201, MedGen CN166604, MONDO:0014045.
Hereditary pheochromocytoma and paraganglioma. Also called: Hereditary paragangliomas and pheochromocytomas; Hereditary Paraganglioma-Pheochromocytoma Syndromes; Hereditary pheochromocytoma-paraganglioma. Identifiers: Orphanet 29072, MedGen C4274332, MONDO:0017366.

Submissions (2):

Women's Health and Genetics/Laboratory Corporation of America, LabCorp
Classification: Pathogenic for Hereditary pheochromocytoma and paraganglioma. Last evaluated: 2024-11-14. Review status: criteria provided, single submitter. Criteria: LabCorp Variant Classification Summary - May 2015. Collection method: clinical testing. Allele origin: germline.
Comment: Variant summary: SDHD c.15G>A (p.Trp5X) results in a premature termination codon, predicted to cause a truncation of the encoded protein or absence of the protein due to nonsense mediated decay, which are commonly known mechanisms for disease. The variant was absent in 251414 control chromosomes. c.15G>A has been reported in the literature in at least one individual affected with multiple recurrent bilatral head and neck paragangliomas (Albattal_2019). The following publication has been ascertained in the context of this evaluation (PMID: 31666924). ClinVar contains an entry for this variant (Variation ID: 1917924). Based on the evidence outlined above, the variant was classified as pathogenic.

Labcorp Genetics (formerly Invitae), Labcorp
Classification: Pathogenic for Carney-Stratakis syndrome; Paragangliomas with sensorineural hearing loss; Pheochromocytoma; Cowden syndrome 3. Last evaluated: 2024-02-25. Review status: criteria provided, single submitter. Criteria: Invitae Variant Classification Sherloc (09022015). Collection method: clinical testing. Allele origin: germline.
Comment: This sequence change creates a premature translational stop signal (p.Trp5*) in the SDHD gene. It is expected to result in an absent or disrupted protein product. Loss-of-function variants in SDHD are known to be pathogenic (PMID: 19454582, 19802898). This variant is not present in population databases (gnomAD no frequency). This premature translational stop signal has been observed in individual(s) with paraganglioma-pheochromocytoma syndromes (PMID: 31666924). ClinVar contains an entry for this variant (Variation ID: 1917924). For these reasons, this variant has been classified as Pathogenic.

Literature cited by the submitters: PubMed 31666924 (cited by Women's Health and Genetics/Laboratory Corporation of America, LabCorp and Labcorp Genetics (formerly Invitae), Labcorp); PubMed 19454582 (cited by Labcorp Genetics (formerly Invitae), Labcorp); PubMed 19802898 (cited by Labcorp Genetics (formerly Invitae), Labcorp).